The following is an entry in ClinVar:

ClinVar aggregate classification (germline): Uncertain significance (1 of 4 stars; one submission).

Allele frequency attached by ClinVar (database versions not stated): gnomAD 0.00001.
gnomAD v4.1: 1 of 1,613,854 alleles (0.000062%); highest among the groups gnomAD compares: Admixed American, 0.0017%; no homozygotes.

Submission:

Labcorp Genetics (formerly Invitae), Labcorp
Classification: Uncertain significance. Last evaluated: 2022-07-18. Review status: criteria provided, single submitter. Criteria: Invitae Variant Classification Sherloc (09022015). Collection method: clinical testing. Allele origin: germline.
Comment: In summary, the available evidence is currently insufficient to determine the role of this variant in disease. Therefore, it has been classified as a Variant of Uncertain Significance. Algorithms developed to predict the effect of missense changes on protein structure and function (SIFT, PolyPhen-2, Align-GVGD) all suggest that this variant is likely to be tolerated. This variant has not been reported in the literature in individuals affected with LAMC3-related conditions. This variant is not present in population databases (gnomAD no frequency). This sequence change replaces glutamic acid, which is acidic and polar, with lysine, which is basic and polar, at codon 452 of the LAMC3 protein (p.Glu452Lys).

NM_006059.4(LAMC3):c.1354G>A (p.Glu452Lys)

Gene: LAMC3 (laminin subunit gamma 3; plus strand). Cytogenetic location: 9q34.12.
Variant type: single nucleotide variant.
Coding change: c.1354G>A on transcript NM_006059.4 (MANE Select); coding-DNA position 1354, G replaced by A.
Protein change: p.Glu452Lys; replaces glutamic acid 452 with lysine.
Molecular consequence: missense variant.
Genome position (GRCh38, 1-based): chr9:131,041,707, G>A. VCF-style: chr9-131041707-G-A. GRCh37 (hg19) VCF-style: chr9-133917094-G-A.
Other names: short protein forms E452K.
Identifiers: ClinVar variation 1966990 (VCV001966990.5), dbSNP rs1834061282, ClinGen allele CA375260517.